The following is an entry in ClinVar:

NM_001737.5(C9):c.1427T>C (p.Ile476Thr)

Gene: C9 (complement C9; minus strand). Cytogenetic location: 5p13.1.
Variant type: single nucleotide variant.
Coding change: c.1427T>C on transcript NM_001737.5 (MANE Select); coding-DNA position 1427, T replaced by C.
Protein change: p.Ile476Thr; replaces isoleucine 476 with threonine.
Molecular consequence: missense variant.
Genome position (GRCh38, 1-based): chr5:39,288,941, A>G on the plus strand (T>C on the coding strand, the complement: C9 is on the minus strand). VCF-style: chr5-39288941-A-G. GRCh37 (hg19) VCF-style: chr5-39289043-A-G.
Other names: short protein forms I476T.
Identifiers: ClinVar variation 1039518 (VCV001039518.11), dbSNP rs141645272, ClinGen allele CA3246685.
Genomic context (GRCh38, chr5:39,288,941, plus strand): 5'-CTTTCCAAGTTTTGTTTCTTTAGGTGTGCATTTTTCATTTTCACTGGAACCAGATTATAT[A>G]TAGGAGACAGCTGAAAGGAAGCAAAACATTTAATTTTAGGTCCTTTTTAACTGAGAGAAC-3'
Protein context (NP_001728.1, residues 466-486): PVLISQKLSP[Ile476Thr]YNLVPVKMKN

ClinVar aggregate classification (germline): Conflicting classifications of pathogenicity. Review status: criteria provided, conflicting classifications (1 of 4 stars). 4 submissions from 4 submitters: Uncertain significance (1); Likely benign (3). Last evaluated 2026-04-01.

Conditions:
Primary ciliary dyskinesia. Also called: Ciliary dyskinesia. Identifiers: Orphanet 244, MedGen C0008780, MONDO:0016575, HP:0012265.

Allele frequency attached by ClinVar (database versions not stated): ExAC 0.00113; TOPMed 0.00120; gnomAD exomes 0.00121 and 0.00222; gnomAD 0.00135 and 0.00141; ESP Exome Variant Server 0.00162.
gnomAD v4.1: 3,353 of 1,588,178 alleles (0.21%); highest among the groups gnomAD compares: Non-Finnish European, 0.26%; 6 homozygotes.

Submissions (4):

Department of Human Genetics, Hannover Medical School
Classification: Uncertain significance for Primary Ciliary Dyskinesia. Last evaluated: 2026-04-01. Review status: criteria provided, single submitter. Criteria: ACMG Guidelines, 2015. Collection method: research. Allele origin: germline. Affected: no.
Comment: Classification performed by HerediClassify using the following criteria:['PP3_protein_strong: Variant is predicted to be pathogenic by REVEL with evidence strength strong.']

Labcorp Genetics (formerly Invitae), Labcorp
Classification: Likely benign. Last evaluated: 2026-02-01. Review status: criteria provided, single submitter. Criteria: Invitae Variant Classification Sherloc (09022015). Collection method: clinical testing. Allele origin: germline.

Women's Health and Genetics/Laboratory Corporation of America, LabCorp
Classification: Likely benign. Last evaluated: 2026-01-30. Review status: criteria provided, single submitter. Criteria: LabCorp Variant Classification Summary - May 2015. Collection method: clinical testing. Allele origin: germline.
Comment: Variant summary: C9 c.1427T>C (p.Ile476Thr) results in a non-conservative amino acid change in the encoded protein sequence. Algorithms developed to predict the effect of missense changes on protein structure and function all suggest that this variant is likely to be disruptive. The variant allele was found at a frequency of 0.0021 in 1588178 control chromosomes, predominantly at a frequency of 0.0026 within the Non-Finnish European subpopulation in the gnomAD database, including 5 homozygotes. The observed variant frequency within Non-Finnish European control individuals in the gnomAD database exceeds the estimated maximal expected allele frequency for disease-causing variants in C9. To our knowledge, no occurrence of c.1427T>C in individuals affected with C9-related conditions and no experimental evidence demonstrating its impact on protein function have been reported. The following publications have been ascertained in the context of this evaluation (PMID: 27939104, 37693462). ClinVar contains an entry for this variant (Variation ID: 1039518). Based on the evidence outlined above, the variant was classified as likely benign.

Blueprint Genetics
Classification: Likely benign. Last evaluated: 2024-11-21. Review status: criteria provided, single submitter. Criteria: ACMG Guidelines, 2015. Collection method: clinical testing. Allele origin: germline.

Literature cited by the submitters: PubMed 27939104 (cited by Women's Health and Genetics/Laboratory Corporation of America, LabCorp); PubMed 37693462 (cited by Women's Health and Genetics/Laboratory Corporation of America, LabCorp).